The following is an entry in ClinVar:

ClinVar aggregate classification (germline): Benign (1 of 4 stars; one submission).

Conditions:
Pseudohypoparathyroidism type 1B (PHP1B). Also called: PHP IB; Pseudohypoparathyroidism Ib (PHP-Ib); Pseudohypoparathyroidism Type IB. Identifiers: Orphanet 94089, MedGen C1864100, MONDO:0011301, OMIM 603233.

Allele frequency attached by ClinVar (database versions not stated): gnomAD 0.02146 and 0.02300; TOPMed 0.02360; 1000 Genomes Project 0.02636; 1000 Genomes Project 30x 0.02686.

Submission:

Illumina Laboratory Services, Illumina
Classification: Benign for Pseudohypoparathyroidism type 1B. Last evaluated: 2018-01-12. Review status: criteria provided, single submitter. Criteria: ICSL Variant Classification Criteria 13 December 2019. Collection method: clinical testing. Allele origin: germline.
Comment: This variant was observed in the ICSL laboratory as part of a predisposition screen in an ostensibly healthy population. It had not been previously curated by ICSL or reported in the Human Gene Mutation Database (HGMD: prior to June 1st, 2018), and was therefore a candidate for classification through an automated scoring system. Utilizing variant allele frequency, disease prevalence and penetrance estimates, and inheritance mode, an automated score was calculated to assess if this variant is too frequent to cause the disease. Based on the score and internal cut-off values, a variant classified as benign is not then subjected to further curation. The score for this variant resulted in a classification of benign for this disease.

NM_001001433.3(STX16):c.*70G>A

Genes: STX16 (syntaxin 16; plus strand), STX16-NPEPL1 (STX16-NPEPL1 readthrough (NMD candidate); plus strand). Cytogenetic location: 20q13.32.
Variant type: single nucleotide variant.
Coding change: c.*70G>A on transcript NM_001001433.3 (MANE Select); 70 bases downstream of the stop codon, G replaced by A.
Molecular consequence: 3 prime UTR variant. On other transcripts: non-coding transcript variant (3).
Genome position (GRCh38, 1-based): chr20:58,676,361, G>A. VCF-style: chr20-58676361-G-A. GRCh37 (hg19) VCF-style: chr20-57251417-G-A.
Other names: c.*70G>A (NM_001134772.3, NM_001134773.3, NM_001204868.2 and 1 more transcripts).
Identifiers: ClinVar variation 339060 (VCV000339060.5), dbSNP rs114597931, ClinGen allele CA10653295.
Genomic context (GRCh38, chr20:58,676,361, plus strand): 5'-GGTTTTCGTGTGTGCCGCGCGTGTGGATCTCCCGGGTGTGAGGGGCTTGGCCTGCGCCCC[G>A]CCAGCTGCCCGCAGAGGTGCAGCCTCGAGGAATCTGAGGGCGTCGGGGCAGCGAACCTTT-3'